The following is an entry in ClinVar:

ClinVar aggregate classification (germline): Conflicting classifications of pathogenicity. Review status: criteria provided, conflicting classifications (1 of 4 stars). 3 submissions from 3 submitters: Uncertain significance (2); Likely benign (1). Last evaluated 2025-11-09.

Conditions:
Hereditary cancer-predisposing syndrome. Also called: Tumor predisposition; Hereditary Cancer Syndrome; Hereditary neoplastic syndrome; Neoplastic Syndromes, Hereditary. Identifiers: Orphanet 140162, MedGen C0027672, MeSH D009386, MONDO:0015356.
Ataxia-telangiectasia syndrome (AT). Also called: Ataxia telangiectasia (A-T); LOUIS-BAR SYNDROME; Cerebello-oculocutaneous telangiectasia; Immunodeficiency with ataxia telangiectasia; ATAXIA-TELANGIECTASIA, COMPLEMENTATION GROUP A; ATAXIA-TELANGIECTASIA, FRESNO VARIANT. Identifiers: Orphanet 100, MedGen C0004135, MONDO:0008840, OMIM 208900.

Allele frequency attached by ClinVar (database versions not stated): TOPMed below 0.00001.

Submissions (3):

Labcorp Genetics (formerly Invitae), Labcorp
Classification: Uncertain significance for Ataxia-telangiectasia syndrome. Last evaluated: 2025-11-09. Review status: criteria provided, single submitter. Criteria: Invitae Variant Classification Sherloc (09022015). Collection method: clinical testing. Allele origin: germline.
Comment: This sequence change replaces threonine, which is neutral and polar, with asparagine, which is neutral and polar, at codon 915 of the ATM protein (p.Thr915Asn). This variant is not present in population databases (gnomAD no frequency). This variant has not been reported in the literature in individuals affected with ATM-related conditions. ClinVar contains an entry for this variant (Variation ID: 234191). Invitae Evidence Modeling of protein sequence and biophysical properties (such as structural, functional, and spatial information, amino acid conservation, physicochemical variation, residue mobility, and thermodynamic stability) indicates that this missense variant is not expected to disrupt ATM protein function with a negative predictive value of 95%. In summary, the available evidence is currently insufficient to determine the role of this variant in disease. Therefore, it has been classified as a Variant of Uncertain Significance.

Ambry Genetics
Classification: Likely benign for Hereditary cancer-predisposing syndrome. Last evaluated: 2023-11-18. Review status: criteria provided, single submitter. Criteria: Ambry Variant Classification Scheme 2023. Collection method: clinical testing. Allele origin: germline.

GeneDx
Classification: Uncertain significance. Last evaluated: 2019-12-24. Review status: criteria provided, single submitter. Criteria: GeneDx Variant Classification Process June 2021. Collection method: clinical testing. Allele origin: germline. Affected: yes.
Comment: Not observed in large population cohorts (Lek et al., 2016); In silico analysis, which includes protein predictors and evolutionary conservation, supports that this variant does not alter protein structure/function; Has not been previously published as pathogenic or benign to our knowledge

NM_000051.4(ATM):c.2744C>A (p.Thr915Asn)

Gene: ATM (ATM serine/threonine kinase; plus strand). Cytogenetic location: 11q22.3.
Variant type: single nucleotide variant.
Coding change: c.2744C>A on transcript NM_000051.4 (MANE Select); coding-DNA position 2744, C replaced by A.
Protein change: p.Thr915Asn; replaces threonine 915 with asparagine.
Molecular consequence: missense variant.
Genome position (GRCh38, 1-based): chr11:108,268,515, C>A. VCF-style: chr11-108268515-C-A. GRCh37 (hg19) VCF-style: chr11-108139242-C-A.
Other names: c.2744C>A, p.Thr915Asn (NM_001351834.2); short protein forms T915N.
Identifiers: ClinVar variation 234191 (VCV000234191.18), dbSNP rs876660912, ClinGen allele CA10579068.